The following is an entry in ClinVar:

ClinVar aggregate classification (germline): Uncertain significance (1 of 4 stars; one submission).

Allele frequency attached by ClinVar (database versions not stated): gnomAD exomes below 0.00001.

Submission:

Labcorp Genetics (formerly Invitae), Labcorp
Classification: Uncertain significance. Last evaluated: 2022-07-30. Review status: criteria provided, single submitter. Criteria: Invitae Variant Classification Sherloc (09022015). Collection method: clinical testing. Allele origin: germline.
Comment: This sequence change replaces arginine, which is basic and polar, with glutamine, which is neutral and polar, at codon 7 of the POLD2 protein (p.Arg7Gln). This variant is not present in population databases (gnomAD no frequency). This variant has not been reported in the literature in individuals affected with POLD2-related conditions. Algorithms developed to predict the effect of missense changes on protein structure and function output the following: SIFT: "Deleterious"; PolyPhen-2: "Not Available"; Align-GVGD: "Class C0". The glutamine amino acid residue is found in multiple mammalian species, which suggests that this missense change does not adversely affect protein function. In summary, the available evidence is currently insufficient to determine the role of this variant in disease. Therefore, it has been classified as a Variant of Uncertain Significance.

NM_006230.4(POLD2):c.-86G>A

Gene: POLD2 (DNA polymerase delta 2, accessory subunit; minus strand). Cytogenetic location: 7p13.
Variant type: single nucleotide variant.
Coding change: c.-86G>A on transcript NM_006230.4 (MANE Select); 86 bases upstream of the start codon, G replaced by A.
Molecular consequence: 5 prime UTR variant.
Genome position (GRCh38, 1-based): chr7:44,123,540, C>T on the plus strand (G>A on the coding strand, the complement: POLD2 is on the minus strand). VCF-style: chr7-44123540-C-T. GRCh37 (hg19) VCF-style: chr7-44163139-C-T.
Other names: c.-259G>A (NM_001127218.3); c.-682G>A (NM_001256879.2).
Identifiers: ClinVar variation 2035966 (VCV002035966.4), dbSNP rs2484425408, ClinGen allele CA367388752.